The following is an entry in ClinVar:

NM_003060.4(SLC22A5):c.1333del (p.Met445fs)

Gene: SLC22A5 (solute carrier family 22 member 5; plus strand). Cytogenetic location: 5q31.1.
Variant type: Deletion.
Coding change: c.1333del on transcript NM_003060.4 (MANE Select); coding-DNA position 1333, one base deleted (A; older notation c.1333delA).
Protein change: p.Met445fs; shifts the reading frame from methionine 445.
Molecular consequence: frameshift variant.
Genome position (GRCh38, 1-based): chr5:132,392,498, A deleted. VCF-style (leftmost placement, unchanged base first): chr5-132392497-CA-C. GRCh37 (hg19) VCF-style: chr5-131728189-CA-C.
Other names: c.1405del, p.Met469fs (NM_001308122.2); short protein forms M445fs, M469fs.
Identifiers: ClinVar variation 3722959 (VCV003722959.2).
Genomic context (GRCh38, chr5:132,392,497, plus strand): 5'-GTATTATTTGGCTACAGTCCTGGTGATGGTGGGCAAGTTTGGAGTCACGGCTGCCTTTTC[CA>C]TGGTCTACGTGTACACAGCCGAGCTGTATCCCACAGTGGTGAGAAACATGGGTGTGGGAG-3'

ClinVar aggregate classification (germline): Pathogenic (1 of 4 stars; one submission).

Conditions:
Renal carnitine transport defect (CDSP). Also called: CARNITINE DEFICIENCY, SYSTEMIC, DUE TO DEFECT IN RENAL REABSORPTION OF CARNITINE; CARNITINE TRANSPORTER, PLASMA-MEMBRANE, DEFICIENCY OF; CARNITINE UPTAKE DEFECT; Primary carnitine deficiency; Systemic primary carnitine deficiency; Carnitine transporter deficiency. Identifiers: Orphanet 158, MedGen C0342788, MONDO:0008919, OMIM 212140.

Submission:

Labcorp Genetics (formerly Invitae), Labcorp
Classification: Pathogenic for Renal carnitine transport defect. Last evaluated: 2024-10-15. Review status: criteria provided, single submitter. Criteria: Invitae Variant Classification Sherloc (09022015). Collection method: clinical testing. Allele origin: germline.
Comment: This sequence change creates a premature translational stop signal (p.Met445Trpfs*14) in the SLC22A5 gene. It is expected to result in an absent or disrupted protein product. Loss-of-function variants in SLC22A5 are known to be pathogenic (PMID: 9916797). This variant is not present in population databases (gnomAD no frequency). This variant has not been reported in the literature in individuals affected with SLC22A5-related conditions. For these reasons, this variant has been classified as Pathogenic.

Literature cited by the submitters: PubMed 9916797.